The following is an entry in ClinVar:

NM_001846.4(COL4A2):c.323G>C (p.Arg108Thr)

Gene: COL4A2 (collagen type IV alpha 2 chain; plus strand). Cytogenetic location: 13q34.
Variant type: single nucleotide variant.
Coding change: c.323G>C on transcript NM_001846.4 (MANE Select); coding-DNA position 323, G replaced by C.
Protein change: p.Arg108Thr; replaces arginine 108 with threonine.
Molecular consequence: missense variant.
Genome position (GRCh38, 1-based): chr13:110,424,960, G>C. VCF-style: chr13-110424960-G-C. GRCh37 (hg19) VCF-style: chr13-111077307-G-C.
Other names: short protein forms R108T.
Identifiers: ClinVar variation 1448850 (VCV001448850.7), dbSNP rs1283852136, ClinGen allele CA388728168.
Genomic context (GRCh38, chr13:110,424,960, plus strand): 5'-ATGAGGGTGGCGGGTATCTCAGCCTTGGTTAATTGCATTTGCTTTCTTCATAGGGAGCAA[G>C]AGGCGTTTCTGGATTCCCTGGTGCCGATGGAATTCCTGTAAGTTTTATGGAAGACTGGAA-3'
Protein context (NP_001837.2, residues 98-118): VTGPKGDVGA[Arg108Thr]GVSGFPGADG

ClinVar aggregate classification (germline): Uncertain significance (1 of 4 stars; one submission).

Allele frequency attached by ClinVar (database versions not stated): gnomAD exomes below 0.00001 and 0.00001; gnomAD 0.00001; TOPMed 0.00003.
gnomAD v4.1: 4 of 1,614,120 alleles (0.00025%); highest among the groups gnomAD compares: Admixed American, 0.0067%; no homozygotes.

Submission:

Labcorp Genetics (formerly Invitae), Labcorp
Classification: Uncertain significance. Last evaluated: 2024-04-29. Review status: criteria provided, single submitter. Criteria: Invitae Variant Classification Sherloc (09022015). Collection method: clinical testing. Allele origin: germline.
Comment: This sequence change replaces arginine, which is basic and polar, with threonine, which is neutral and polar, at codon 108 of the COL4A2 protein (p.Arg108Thr). This variant is present in population databases (no rsID available, gnomAD 0.006%). This variant has not been reported in the literature in individuals affected with COL4A2-related conditions. ClinVar contains an entry for this variant (Variation ID: 1448850). Advanced modeling of protein sequence and biophysical properties (such as structural, functional, and spatial information, amino acid conservation, physicochemical variation, residue mobility, and thermodynamic stability) performed at Invitae indicates that this missense variant is not expected to disrupt COL4A2 protein function with a negative predictive value of 95%. In summary, the available evidence is currently insufficient to determine the role of this variant in disease. Therefore, it has been classified as a Variant of Uncertain Significance.